The following is an entry in ClinVar:

ClinVar aggregate classification (germline): Likely pathogenic. Review status: criteria provided, multiple submitters, no conflicts (2 of 4 stars). 2 submissions from 2 submitters: Likely pathogenic (2). Last evaluated 2025-06-09.

Conditions:
Long chain 3-hydroxyacyl-CoA dehydrogenase deficiency. Also called: Deficiency of long-chain 3-hydroxyacyl-coenzyme A dehydrogenase; LCHAD Deficiency. Identifiers: Orphanet 5, MedGen C3711645, MONDO:0012173, OMIM 609016.
Mitochondrial trifunctional protein deficiency. Identifiers: Orphanet 746, MedGen C1969443, MONDO:0012172.

Allele frequency attached by ClinVar (database versions not stated): gnomAD exomes below 0.00001.
gnomAD v4.1: 1 of 1,612,464 alleles (0.000062%); highest among the groups gnomAD compares: Admixed American, 0.0017%; no homozygotes.

Submissions (2):

Natera, Inc.
Classification: Likely pathogenic for Deficiency of long-chain 3-hydroxyacyl-coenzyme A dehydrogenase. Last evaluated: 2025-06-09. Review status: criteria provided, single submitter. Criteria: Natera Variant Classification Schema (03/2026). Collection method: clinical testing. Allele origin: germline.
Comment: The c.1480-1G>C variant in HADHA is a canonical splice acceptor site variant predicted to affect pre-mRNA splicing, which may result in an abnormal transcript and altered protein product. This variant is expected to result in nonsense mediated decay, truncation, or a dysfunctional protein product. This variant is rare in the general population with a frequency below the threshold expected for the associated phenotype(s). Given the available evidence, this variant is classified as Likely Pathogenic.

Labcorp Genetics (formerly Invitae), Labcorp
Classification: Likely pathogenic for Mitochondrial trifunctional protein deficiency; Long chain 3-hydroxyacyl-CoA dehydrogenase deficiency. Last evaluated: 2021-07-21. Review status: criteria provided, single submitter. Criteria: Invitae Variant Classification Sherloc (09022015). Collection method: clinical testing. Allele origin: germline.
Comment: Algorithms developed to predict the effect of sequence changes on RNA splicing suggest that this variant may disrupt the consensus splice site. This variant has not been reported in the literature in individuals affected with HADHA-related conditions. This variant is not present in population databases (ExAC no frequency). This sequence change affects an acceptor splice site in intron 14 of the HADHA gene. It is expected to disrupt RNA splicing. Variants that disrupt the donor or acceptor splice site typically lead to a loss of protein function (PMID: 16199547), and loss-of-function variants in HADHA are known to be pathogenic (PMID: 7738175, 21103935, 21549624, 22459206). In summary, the currently available evidence indicates that the variant is pathogenic, but additional data are needed to prove that conclusively. Therefore, this variant has been classified as Likely Pathogenic.

Literature cited by the submitters: PubMed 16199547 (cited by Labcorp Genetics (formerly Invitae), Labcorp); PubMed 7738175 (cited by Labcorp Genetics (formerly Invitae), Labcorp); PubMed 21103935 (cited by Labcorp Genetics (formerly Invitae), Labcorp); PubMed 21549624 (cited by Labcorp Genetics (formerly Invitae), Labcorp); PubMed 22459206 (cited by Labcorp Genetics (formerly Invitae), Labcorp).

NM_000182.5(HADHA):c.1480-1G>C

Genes: GAREM2 (GRB2 associated regulator of MAPK1 subtype 2; plus strand), HADHA (hydroxyacyl-CoA dehydrogenase trifunctional multienzyme complex subunit alpha; minus strand). Cytogenetic location: 2p23.3.
Variant type: single nucleotide variant.
Coding change: c.1480-1G>C on transcript NM_000182.5 (MANE Select); the canonical splice acceptor site of the intron before coding-DNA position 1480, G replaced by C.
Molecular consequence: splice acceptor variant.
Genome position (GRCh38, 1-based): chr2:26,195,233, C>G on the plus strand (G>C on the coding strand, the complement: HADHA is on the minus strand). VCF-style: chr2-26195233-C-G. GRCh37 (hg19) VCF-style: chr2-26418102-C-G.
Other names: c.1480-1G>C (NM_000182.4).
Identifiers: ClinVar variation 1491269 (VCV001491269.7), dbSNP rs1558315590, ClinGen allele CA346122253.